The following is an entry in ClinVar:

NM_001160148.2(DDHD1):c.1958G>A (p.Arg653Gln)

Gene: DDHD1 (DDHD domain containing 1; minus strand). Cytogenetic location: 14q22.1.
Variant type: single nucleotide variant.
Coding change: c.1958G>A on transcript NM_001160148.2 (MANE Select); coding-DNA position 1958, G replaced by A.
Protein change: p.Arg653Gln; replaces arginine 653 with glutamine.
Molecular consequence: missense variant.
Genome position (GRCh38, 1-based): chr14:53,058,511, C>T on the plus strand (G>A on the coding strand, the complement: DDHD1 is on the minus strand). VCF-style: chr14-53058511-C-T. GRCh37 (hg19) VCF-style: chr14-53525229-C-T.
Other names: c.1979G>A, p.Arg660Gln (NM_001160147.2); c.1958G>A, p.Arg653Gln (NM_030637.3); short protein forms R660Q, R653Q.
Identifiers: ClinVar variation 1902808 (VCV001902808.4), dbSNP rs530258908, ClinGen allele CA7191085.

ClinVar aggregate classification (germline): Uncertain significance (1 of 4 stars; one submission).

Conditions:
Hereditary spastic paraplegia 28. Also called: Spastic paraplegia 28, autosomal recessive. Identifiers: Orphanet 101008, MedGen C1836295, MONDO:0012256, OMIM 609340.

Allele frequency attached by ClinVar (database versions not stated): ExAC 0.00001; gnomAD exomes 0.00001; TOPMed 0.00001; gnomAD 0.00002; 1000 Genomes Project 0.00020; 1000 Genomes Project 30x 0.00031.
gnomAD v4.1: 11 of 1,612,934 alleles (0.00068%); highest among the groups gnomAD compares: Admixed American, 0.005%; no homozygotes.

Submission:

Labcorp Genetics (formerly Invitae), Labcorp
Classification: Uncertain significance for Hereditary spastic paraplegia 28. Last evaluated: 2023-11-27. Review status: criteria provided, single submitter. Criteria: Invitae Variant Classification Sherloc (09022015). Collection method: clinical testing. Allele origin: germline.
Comment: This sequence change replaces arginine, which is basic and polar, with glutamine, which is neutral and polar, at codon 660 of the DDHD1 protein (p.Arg660Gln). This variant is not present in population databases (gnomAD no frequency). This variant has not been reported in the literature in individuals affected with DDHD1-related conditions. ClinVar contains an entry for this variant (Variation ID: 1902808). Advanced modeling of protein sequence and biophysical properties (such as structural, functional, and spatial information, amino acid conservation, physicochemical variation, residue mobility, and thermodynamic stability) performed at Invitae indicates that this missense variant is not expected to disrupt DDHD1 protein function with a negative predictive value of 80%. In summary, the available evidence is currently insufficient to determine the role of this variant in disease. Therefore, it has been classified as a Variant of Uncertain Significance.